The following is an entry in ClinVar:

NM_001001557.4(GDF6):c.581C>A (p.Pro194His)

Gene: GDF6 (growth differentiation factor 6; minus strand). Cytogenetic location: 8q22.1.
Variant type: single nucleotide variant.
Coding change: c.581C>A on transcript NM_001001557.4 (MANE Select); coding-DNA position 581, C replaced by A.
Protein change: p.Pro194His; replaces proline 194 with histidine.
Molecular consequence: missense variant.
Genome position (GRCh38, 1-based): chr8:96,145,350, G>T on the plus strand (C>A on the coding strand, the complement: GDF6 is on the minus strand). VCF-style: chr8-96145350-G-T. GRCh37 (hg19) VCF-style: chr8-97157578-G-T.
Other names: short protein forms P194H.
Identifiers: ClinVar variation 2931970 (VCV002931970.3), dbSNP rs2487830980, ClinGen allele CA371752290.

ClinVar aggregate classification (germline): Uncertain significance (1 of 4 stars; one submission).

Conditions:
Isolated microphthalmia 4. Identifiers: Orphanet 2542, MedGen C2751307, MONDO:0013130, OMIM 613094.
Microphthalmia, isolated, with coloboma 6 (MCOPCB6). Also called: MICROPHTHALMIA/COLOBOMA 6; Microphthalmia with coloboma 6, digenic; Microphthalmia with coloboma 6. Identifiers: Orphanet 98938, MedGen C3150968, MONDO:0013376, OMIM 613703.
Leber congenital amaurosis 17 (LCA17). Identifiers: Orphanet 65, MedGen C3715164, MONDO:0014145, OMIM 615360.
Klippel-Feil syndrome 1, autosomal dominant (KFS1). Also called: CERVICAL VERTEBRAL FUSION, AUTOSOMAL DOMINANT. Identifiers: Orphanet 2345, MedGen C1861689, MONDO:0007306, OMIM 118100.

gnomAD v4.1: 2 of 1,548,584 alleles (0.00013%); highest among the groups gnomAD compares: Non-Finnish European, 0.00017%; no homozygotes.

Submission:

Labcorp Genetics (formerly Invitae), Labcorp
Classification: Uncertain significance for Isolated microphthalmia 4; Leber congenital amaurosis 17; Klippel-Feil syndrome 1, autosomal dominant; Microphthalmia, isolated, with coloboma 6. Last evaluated: 2022-12-13. Review status: criteria provided, single submitter. Criteria: Invitae Variant Classification Sherloc (09022015). Collection method: clinical testing. Allele origin: germline.
Comment: This sequence change replaces proline, which is neutral and non-polar, with histidine, which is basic and polar, at codon 194 of the GDF6 protein (p.Pro194His). This variant is not present in population databases (gnomAD no frequency). This variant has not been reported in the literature in individuals affected with GDF6-related conditions. Advanced modeling of protein sequence and biophysical properties (such as structural, functional, and spatial information, amino acid conservation, physicochemical variation, residue mobility, and thermodynamic stability) performed at Invitae indicates that this missense variant is not expected to disrupt GDF6 protein function. In summary, the available evidence is currently insufficient to determine the role of this variant in disease. Therefore, it has been classified as a Variant of Uncertain Significance.